The following is an entry in ClinVar:

ClinVar aggregate classification (germline): Uncertain significance. Review status: criteria provided, multiple submitters, no conflicts (2 of 4 stars). 2 submissions from 2 submitters: Uncertain significance (2). Last evaluated 2024-12-09.

Conditions:
Inborn genetic diseases. Identifiers: MedGen C0950123, MeSH D030342.

Allele frequency attached by ClinVar (database versions not stated): gnomAD exomes 0.00002; ExAC 0.00006; ESP Exome Variant Server 0.00008; gnomAD 0.00012.

Submissions (2):

Labcorp Genetics (formerly Invitae), Labcorp
Classification: Uncertain significance. Last evaluated: 2024-12-09. Review status: criteria provided, single submitter. Criteria: Invitae Variant Classification Sherloc (09022015). Collection method: clinical testing. Allele origin: germline.
Comment: This sequence change replaces valine, which is neutral and non-polar, with methionine, which is neutral and non-polar, at codon 567 of the DOCK6 protein (p.Val567Met). This variant is present in population databases (rs367572113, gnomAD 0.05%). This variant has not been reported in the literature in individuals affected with DOCK6-related conditions. ClinVar contains an entry for this variant (Variation ID: 2175849). Invitae Evidence Modeling of protein sequence and biophysical properties (such as structural, functional, and spatial information, amino acid conservation, physicochemical variation, residue mobility, and thermodynamic stability) has been performed for this missense variant. However, the output from this modeling did not meet the statistical confidence thresholds required to predict the impact of this variant on DOCK6 protein function. In summary, the available evidence is currently insufficient to determine the role of this variant in disease. Therefore, it has been classified as a Variant of Uncertain Significance.

Ambry Genetics
Classification: Uncertain significance for Inborn genetic diseases. Last evaluated: 2024-08-20. Review status: criteria provided, single submitter. Criteria: Ambry Variant Classification Scheme 2023. Collection method: clinical testing. Allele origin: germline.

NM_020812.4(DOCK6):c.1699G>A (p.Val567Met)

Gene: DOCK6 (dedicator of cytokinesis 6; minus strand). Cytogenetic location: 19p13.2.
Variant type: single nucleotide variant.
Coding change: c.1699G>A on transcript NM_020812.4 (MANE Select); coding-DNA position 1699, G replaced by A.
Protein change: p.Val567Met; replaces valine 567 with methionine.
Molecular consequence: missense variant.
Genome position (GRCh38, 1-based): chr19:11,238,249, C>T on the plus strand (G>A on the coding strand, the complement: DOCK6 is on the minus strand). VCF-style: chr19-11238249-C-T. GRCh37 (hg19) VCF-style: chr19-11348925-C-T.
Other names: c.1699G>A, p.Val567Met (NM_001367830.1); short protein forms V567M.
Identifiers: ClinVar variation 2175849 (VCV002175849.4), dbSNP rs367572113, ClinGen allele CA9207889.